The following is an entry in ClinVar:

ClinVar aggregate classification (germline): Pathogenic (1 of 4 stars; one submission).

Conditions:
Familial adenomatous polyposis 4 (FAP4). Also called: MSH3-related attenuated familial adenomatous polyposis. Identifiers: Orphanet 480536, MedGen C4310719, MONDO:0044300, OMIM 617100.

Submission:

Myriad Genetics, Inc.
Classification: Pathogenic for Familial adenomatous polyposis 4. Last evaluated: 2023-08-30. Review status: criteria provided, single submitter. Criteria: Myriad Autosomal Dominant, Autosomal Recessive and X-Linked Classification Criteria (2023). Collection method: clinical testing. Allele origin: unknown.
Comment: This variant is considered pathogenic. This variant creates a frameshift predicted to result in premature protein truncation.

NM_002439.5(MSH3):c.1510_1513del (p.Ala504fs)

Gene: MSH3 (mutS homolog 3; plus strand). Cytogenetic location: 5q14.1.
Variant type: Deletion.
Coding change: c.1510_1513del on transcript NM_002439.5 (MANE Select); coding-DNA positions 1510 to 1513, 4 bases deleted (GCTG; older notation c.1510_1513delGCTG).
Protein change: p.Ala504fs; shifts the reading frame from alanine 504.
Molecular consequence: frameshift variant.
Genome position (GRCh38, 1-based): chr5:80,728,907-80,728,910, GCTG deleted; deleting any 4 consecutive bases within chr5:80,728,905-80,728,910 gives the same sequence; the c. name uses the placement nearest the transcript's 3' end. VCF-style (leftmost placement, unchanged base first): chr5-80728904-TTGGC-T. GRCh37 (hg19) VCF-style: chr5-80024723-TTGGC-T.
Other names: short protein forms A504fs.
Identifiers: ClinVar variation 2673511 (VCV002673511.1), dbSNP rs2546754646, ClinGen allele CA2695198664.